The following is an entry in ClinVar:

ClinVar aggregate classification (germline): Uncertain significance (1 of 4 stars; one submission).

Conditions:
Cardiovascular phenotype. Identifiers: MedGen CN230736.

gnomAD v4.1: 24 of 1,614,038 alleles (0.0015%); highest among the groups gnomAD compares: Non-Finnish European, 0.0019%; no homozygotes.

Submission:

Ambry Genetics
Classification: Uncertain significance for Cardiovascular phenotype. Last evaluated: 2025-01-04. Review status: criteria provided, single submitter. Criteria: Ambry Variant Classification Scheme 2023. Collection method: clinical testing. Allele origin: germline.
Comment: The p.E2566K variant (also known as c.7696G>A), located in coding exon 31 of the AKAP9 gene, results from a G to A substitution at nucleotide position 7696. The glutamic acid at codon 2566 is replaced by lysine, an amino acid with similar properties. This amino acid position is conserved. In addition, this alteration is predicted to be tolerated by in silico analysis. Based on the available evidence, the clinical significance of this variant remains unclear.

NM_005751.5(AKAP9):c.7696G>A (p.Glu2566Lys)

Gene: AKAP9 (A-kinase anchoring protein 9; plus strand). Cytogenetic location: 7q21.2.
Variant type: single nucleotide variant.
Coding change: c.7696G>A on transcript NM_005751.5 (MANE Select); coding-DNA position 7696, G replaced by A.
Protein change: p.Glu2566Lys; replaces glutamic acid 2566 with lysine.
Molecular consequence: missense variant.
Genome position (GRCh38, 1-based): chr7:92,079,829, G>A. VCF-style: chr7-92079829-G-A. GRCh37 (hg19) VCF-style: chr7-91709143-G-A.
Other names: c.2341G>A, p.Glu781Lys (NM_001379277.1); c.7672G>A, p.Glu2558Lys (NM_147185.3); short protein forms E2566K, E781K, E2558K.
Identifiers: ClinVar variation 3849331 (VCV003849331.1).